The following is an entry in ClinVar:

ClinVar aggregate classification (germline): Pathogenic. Review status: criteria provided, multiple submitters, no conflicts (2 of 4 stars). 2 submissions from 2 submitters: Pathogenic (2). Last evaluated 2024-06-17.

Conditions:
Mandibulofacial dysostosis-microcephaly syndrome (MFDGA). Also called: Growth and mental retardation, mandibulofacial dysostosis, microcephaly, and cleft palate; Mandibulofacial dysostosis, Guion-Almeida type. Identifiers: Orphanet 79113, MedGen C1864652, MONDO:0012516, OMIM 610536.

Submissions (2):

3billion
Classification: Pathogenic for Mandibulofacial dysostosis-microcephaly syndrome. Last evaluated: 2024-06-17. Review status: criteria provided, single submitter. Criteria: ACMG Guidelines, 2015. Collection method: clinical testing. Allele origin: germline. Affected: yes.
Comment: The variant is not observed in the gnomAD v4.0.0 dataset. Predicted Consequence/Location: Canonical splice site: predicted to alter splicing and result in a loss or disruption of normal protein function. Multiple pathogenic loss-of-function variants are reported downstream of the variant. The variant has been reported to be associated with EFTUD2 related disorder (ClinVar ID: VCV001364366 /PMID: 24470203). Therefore, this variant is classified as Pathogenic according to the recommendation of ACMG/AMP guideline.

Labcorp Genetics (formerly Invitae), Labcorp
Classification: Pathogenic. Last evaluated: 2022-08-16. Review status: criteria provided, single submitter. Criteria: Invitae Variant Classification Sherloc (09022015). Collection method: clinical testing. Allele origin: germline.
Comment: This variant is not present in population databases (gnomAD no frequency). This sequence change creates a premature translational stop signal (p.Val235*) in the EFTUD2 gene. It is expected to result in an absent or disrupted protein product. Loss-of-function variants in EFTUD2 are known to be pathogenic (PMID: 24999515, 26507355). This premature translational stop signal has been observed in individual(s) with mandibulofacial dysostosis (PMID: 24470203). This variant is also known as c.702+1del. For these reasons, this variant has been classified as Pathogenic. ClinVar contains an entry for this variant (Variation ID: 1364366). Algorithms developed to predict the effect of sequence changes on RNA splicing suggest that this variant may disrupt the consensus splice site.

Literature cited by the submitters: PubMed 24470203 (cited by 3billion and Labcorp Genetics (formerly Invitae), Labcorp); PubMed 24999515 (cited by Labcorp Genetics (formerly Invitae), Labcorp); PubMed 26507355 (cited by Labcorp Genetics (formerly Invitae), Labcorp).

NM_004247.4(EFTUD2):c.702+1del

Gene: EFTUD2 (elongation factor Tu GTP binding domain containing 2; minus strand). Cytogenetic location: 17q21.31.
Variant type: Deletion.
Coding change: c.702+1del on transcript NM_004247.4 (MANE Select); the canonical splice donor site of the intron after coding-DNA position 702, one base deleted (G; older notation c.702+1delG).
Molecular consequence: splice donor variant.
Genome position (GRCh38, 1-based): chr17:44,879,555, C deleted on the plus strand (G on the coding strand, the reverse complement: EFTUD2 is on the minus strand); the first of 5 consecutive C bases (chr17:44,879,555-44,879,559); deleting any one gives the same sequence. VCF-style (leftmost placement, unchanged base first): chr17-44879554-AC-A. GRCh37 (hg19) VCF-style: chr17-42956922-AC-A.
Other names: c.597+1del (NM_001142605.2); c.672+1del (NM_001258354.2); c.702+1del (NM_001258353.2).
Identifiers: ClinVar variation 1364366 (VCV001364366.7), dbSNP rs2145532417, ClinGen allele CA2573153954.